The following is an entry in ClinVar:

NM_001204.7(BMPR2):c.3018C>A (p.Asn1006Lys)

Gene: BMPR2 (bone morphogenetic protein receptor type 2; plus strand). Cytogenetic location: 2q33.2.
Variant type: single nucleotide variant.
Coding change: c.3018C>A on transcript NM_001204.7 (MANE Select); coding-DNA position 3018, C replaced by A.
Protein change: p.Asn1006Lys; replaces asparagine 1006 with lysine.
Molecular consequence: missense variant.
Genome position (GRCh38, 1-based): chr2:202,559,847, C>A. VCF-style: chr2-202559847-C-A. GRCh37 (hg19) VCF-style: chr2-203424570-C-A.
Other names: short protein forms N1006K.
Identifiers: ClinVar variation 3824813 (VCV003824813.1).

ClinVar aggregate classification (germline): Uncertain significance (1 of 4 stars; one submission).

Conditions:
Inborn genetic diseases. Identifiers: MedGen C0950123, MeSH D030342.

Submission:

Ambry Genetics
Classification: Uncertain significance for Inborn genetic diseases. Last evaluated: 2025-01-05. Review status: criteria provided, single submitter. Criteria: Ambry Variant Classification Scheme 2023. Collection method: clinical testing. Allele origin: germline.
Comment: The p.N1006K variant (also known as c.3018C>A), located in coding exon 13 of the BMPR2 gene, results from a C to A substitution at nucleotide position 3018. The asparagine at codon 1006 is replaced by lysine, an amino acid with similar properties. This amino acid position is conserved. In addition, this alteration is predicted to be tolerated by in silico analysis. Based on the available evidence, the clinical significance of this variant remains unclear.